The following is an entry in ClinVar:

NM_018122.5(DARS2):c.1750+19T>G

Gene: DARS2 (aspartyl-tRNA synthetase 2, mitochondrial; plus strand). Cytogenetic location: 1q25.1.
Variant type: single nucleotide variant.
Coding change: c.1750+19T>G on transcript NM_018122.5 (MANE Select); 19 bases into the intron after coding-DNA position 1750, T replaced by G.
Molecular consequence: intron variant.
Genome position (GRCh38, 1-based): chr1:173,856,760, T>G. VCF-style: chr1-173856760-T-G. GRCh37 (hg19) VCF-style: chr1-173825898-T-G.
Other names: c.1597+19T>G (NM_001365212.1).
Identifiers: ClinVar variation 137067 (VCV000137067.14), dbSNP rs57068378, ClinGen allele CA290565.

ClinVar aggregate classification (germline): Benign. Review status: criteria provided, multiple submitters, no conflicts (2 of 4 stars). 5 submissions from 5 submitters: Benign (4). 1 of the submissions does not count toward it. Last evaluated 2026-02-01.

Conditions:
Leukoencephalopathy with brain stem and spinal cord involvement-high lactate syndrome (LBSL). Also called: LEUKOENCEPHALOPATHY WITH BRAINSTEM AND SPINAL CORD INVOLVEMENT AND LACTATE ELEVATION, MILD; Leukoencephalopathy with Brainstem and Spinal Cord Involvement and Lactate Elevation; MITOCHONDRIAL ASPARTYL-tRNA SYNTHETASE DEFICIENCY. Identifiers: Orphanet 137898, MedGen C1970180, MONDO:0012622, OMIM 611105.

Allele frequency attached by ClinVar (database versions not stated): gnomAD exomes 0.00617 and 0.01629; ExAC 0.01987; gnomAD 0.06196 and 0.06626; 1000 Genomes Project 0.06530; 1000 Genomes Project 30x 0.06918; TOPMed 0.06998; ESP Exome Variant Server 0.07120.
gnomAD v4.1: 18,725 of 1,608,190 alleles (1.2%); highest among the groups gnomAD compares: African/African-American, 22%; 1,877 homozygotes.

Submissions (5):

Labcorp Genetics (formerly Invitae), Labcorp
Classification: Benign. Last evaluated: 2026-02-01. Review status: criteria provided, single submitter. Criteria: Invitae Variant Classification Sherloc (09022015). Collection method: clinical testing. Allele origin: germline.

Genome-Nilou Lab
Classification: Benign for Leukoencephalopathy with brain stem and spinal cord involvement-high lactate syndrome. Last evaluated: 2023-04-11. Review status: criteria provided, single submitter. Criteria: ACMG Guidelines, 2015. Collection method: clinical testing. Allele origin: germline. Affected: no.

GeneDx
Classification: Benign. Last evaluated: 2014-03-26. Review status: criteria provided, single submitter. Criteria: GeneDx Variant Classification (06012015). Collection method: clinical testing. Allele origin: germline. Affected: yes.
Comment: This variant is considered likely benign or benign based on one or more of the following criteria: it is a conservative change, it occurs at a poorly conserved position in the protein, it is predicted to be benign by multiple in silico algorithms, and/or has population frequency not consistent with disease.

Breakthrough Genomics
Classification: Benign. Review status: criteria provided, single submitter. Criteria: ACMG Guidelines, 2015. Collection method: not provided. Allele origin: germline. Inheritance: Autosomal recessive inheritance. Affected: yes.

Mayo Clinic Laboratories, Mayo Clinic
Classification: Benign. Last evaluated: 2016-02-29. Review status: no assertion criteria provided. Collection method: clinical testing. Allele origin: unknown. Not counted in ClinVar's aggregate classification.